The following is an entry in ClinVar:

NM_181458.4(PAX3):c.512_513insGGA (p.Ala170_Asp171insGlu)

Gene: PAX3 (paired box 3; minus strand). Cytogenetic location: 2q36.1.
Variant type: Insertion.
Coding change: c.512_513insGGA on transcript NM_181458.4 (MANE Select); coding-DNA positions 512 to 513, GGA inserted.
Protein change: p.Ala170_Asp171insGlu.
Molecular consequence: inframe insertion.
Genome position: GRCh38 VCF-style: chr2-222294240-G-GTCC. GRCh37 (hg19) VCF-style: chr2-223158959-G-GTCC.
Other names: c.512_513insGGA, p.Ala170_Asp171insGlu (NM_000438.6, NM_013942.5, NM_181457.4 and 3 more transcripts); c.509_510insGGA, p.Ala169_Asp170insGlu (NM_001127366.3).
Identifiers: ClinVar variation 1472349 (VCV001472349.8), dbSNP rs2106196853, ClinGen allele CA2573135304.

ClinVar aggregate classification (germline): Uncertain significance (1 of 4 stars; one submission).

Submission:

Labcorp Genetics (formerly Invitae), Labcorp
Classification: Uncertain significance. Last evaluated: 2021-03-29. Review status: criteria provided, single submitter. Criteria: Invitae Variant Classification Sherloc (09022015). Collection method: clinical testing. Allele origin: germline.
Comment: Experimental studies and prediction algorithms are not available or were not evaluated, and the functional significance of this variant is currently unknown. In summary, the available evidence is currently insufficient to determine the role of this variant in disease. Therefore, it has been classified as a Variant of Uncertain Significance. This variant has not been reported in the literature in individuals with PAX3-related conditions. This variant is not present in population databases (ExAC no frequency). This variant, c.512_513insGGA, results in the insertion of 1 amino acid(s) to the PAX3 protein (p.Ala170_Asp171insGlu), but otherwise preserves the integrity of the reading frame.